The following is an entry in ClinVar:

NM_080680.3(COL11A2):c.4711T>C (p.Cys1571Arg)

Gene: COL11A2 (collagen type XI alpha 2 chain; minus strand). Cytogenetic location: 6p21.32.
Variant type: single nucleotide variant.
Coding change: c.4711T>C on transcript NM_080680.3 (MANE Select); coding-DNA position 4711, T replaced by C.
Protein change: p.Cys1571Arg; replaces cysteine 1571 with arginine.
Molecular consequence: missense variant.
Genome position (GRCh38, 1-based): chr6:33,165,588, A>G on the plus strand (T>C on the coding strand, the complement: COL11A2 is on the minus strand). VCF-style: chr6-33165588-A-G. GRCh37 (hg19) VCF-style: chr6-33133365-A-G.
Other names: c.4531T>C, p.Cys1511Arg (NM_001424108.1); c.3865T>C, p.Cys1289Arg (NM_001424109.1); c.3685T>C, p.Cys1229Arg (NM_001424110.1, NM_001424111.1); c.2665T>C, p.Cys889Arg (NM_001424112.1); c.4390T>C, p.Cys1464Arg (NM_080679.3); c.4453T>C, p.Cys1485Arg (NM_080681.3); short protein forms C1289R, C889R, C1229R, C1464R, C1485R, C1571R, C1511R.
Identifiers: ClinVar variation 3686417 (VCV003686417.2).

ClinVar aggregate classification (germline): Uncertain significance (1 of 4 stars; one submission).

Submission:

Labcorp Genetics (formerly Invitae), Labcorp
Classification: Uncertain significance. Last evaluated: 2024-10-07. Review status: criteria provided, single submitter. Criteria: Invitae Variant Classification Sherloc (09022015). Collection method: clinical testing. Allele origin: germline.
Comment: This sequence change replaces cysteine, which is neutral and slightly polar, with arginine, which is basic and polar, at codon 1571 of the COL11A2 protein (p.Cys1571Arg). This variant is not present in population databases (gnomAD no frequency). This variant has not been reported in the literature in individuals affected with COL11A2-related conditions. Invitae Evidence Modeling of protein sequence and biophysical properties (such as structural, functional, and spatial information, amino acid conservation, physicochemical variation, residue mobility, and thermodynamic stability) indicates that this missense variant is expected to disrupt COL11A2 protein function with a positive predictive value of 95%. In summary, the available evidence is currently insufficient to determine the role of this variant in disease. Therefore, it has been classified as a Variant of Uncertain Significance.